The following is an entry in ClinVar:

ClinVar aggregate classification (germline): Uncertain significance (1 of 4 stars; one submission).

Submission:

Labcorp Genetics (formerly Invitae), Labcorp
Classification: Uncertain significance. Last evaluated: 2024-09-06. Review status: criteria provided, single submitter. Criteria: Invitae Variant Classification Sherloc (09022015). Collection method: clinical testing. Allele origin: germline.
Comment: This sequence change replaces glutamine, which is neutral and polar, with glutamic acid, which is acidic and polar, at codon 287 of the NTHL1 protein (p.Gln287Glu). This variant is not present in population databases (gnomAD no frequency). This variant has not been reported in the literature in individuals affected with NTHL1-related conditions. An algorithm developed to predict the effect of missense changes on protein structure and function (PolyPhen-2) suggests that this variant is likely to be disruptive. In summary, the available evidence is currently insufficient to determine the role of this variant in disease. Therefore, it has been classified as a Variant of Uncertain Significance.

NM_002528.7(NTHL1):c.835C>G (p.Gln279Glu)

Gene: NTHL1 (nth like DNA glycosylase 1; minus strand). Cytogenetic location: 16p13.3.
Variant type: single nucleotide variant.
Coding change: c.835C>G on transcript NM_002528.7 (MANE Select); coding-DNA position 835, C replaced by G.
Protein change: p.Gln279Glu; replaces glutamine 279 with glutamic acid.
Molecular consequence: missense variant.
Genome position (GRCh38, 1-based): chr16:2,040,004, G>C on the plus strand (C>G on the coding strand, the complement: NTHL1 is on the minus strand). VCF-style: chr16-2040004-G-C. GRCh37 (hg19) VCF-style: chr16-2090005-G-C.
Other names: c.664C>G, p.Gln222Glu (NM_001318193.2); c.505C>G, p.Gln169Glu (NM_001318194.2); short protein forms Q169E, Q279E, Q222E.
Identifiers: ClinVar variation 3692194 (VCV003692194.2).
Genomic context (GRCh38, chr16:2,040,004, plus strand): 5'-GGCAGAGGGCTTGGTTGAGGCAGGCGTGGCAGCGAGGGTGCACAGGCAGACAGGTCTGCT[G>C]GCCGAAGCCCACCAAGAGTCCATTGATCTCGTGCCACAGCTCCCTGTGGGGGTGGGGGCT-3'
Protein context (NP_002519.2, residues 269-289): EINGLLVGFG[Gln279Glu]QTCLPVHPRC